The following is an entry in ClinVar:

NM_032578.4(MYPN):c.3440T>A (p.Ile1147Asn)

Gene: MYPN (myopalladin; plus strand). Cytogenetic location: 10q21.3.
Variant type: single nucleotide variant.
Coding change: c.3440T>A on transcript NM_032578.4 (MANE Select); coding-DNA position 3440, T replaced by A.
Protein change: p.Ile1147Asn; replaces isoleucine 1147 with asparagine.
Molecular consequence: missense variant. On other transcripts: non-coding transcript variant (2).
Genome position (GRCh38, 1-based): chr10:68,199,522, T>A. VCF-style: chr10-68199522-T-A. GRCh37 (hg19) VCF-style: chr10-69959279-T-A.
Other names: c.3440T>A, p.Ile1147Asn (NM_001256267.2); c.2558T>A, p.Ile853Asn (NM_001256268.2); short protein forms I1147N, I853N.
Identifiers: ClinVar variation 191758 (VCV000191758.43), dbSNP rs201600440, ClinGen allele CA237472.

ClinVar aggregate classification (germline): Uncertain significance. Review status: criteria provided, multiple submitters, no conflicts (2 of 4 stars). 6 submissions from 6 submitters: Uncertain significance (6). Last evaluated 2025-03-14.

Conditions:
Cardiovascular phenotype. Identifiers: MedGen CN230736.
Dilated cardiomyopathy 1KK (CMD1KK). Identifiers: Orphanet 154, Orphanet 75249, MedGen C3714995, MONDO:0014100, OMIM 615248.

Allele frequency attached by ClinVar (database versions not stated): gnomAD 0.00006; ExAC 0.00007; TOPMed 0.00010.
gnomAD v4.1: 143 of 1,614,036 alleles (0.0089%); highest among the groups gnomAD compares: Non-Finnish European, 0.012%; no homozygotes.

Submissions (6):

Ambry Genetics
Classification: Uncertain significance for Cardiovascular phenotype. Last evaluated: 2025-03-14. Review status: criteria provided, single submitter. Criteria: Ambry Variant Classification Scheme 2023. Collection method: clinical testing. Allele origin: germline.
Comment: The p.I1147N variant (also known as c.3440T>A), located in coding exon 16 of the MYPN gene, results from a T to A substitution at nucleotide position 3440. The isoleucine at codon 1147 is replaced by asparagine, an amino acid with dissimilar properties. This alteration has been reported as a secondary cardiac variant in an exome cohort (Ng D et al. Circ Cardiovasc Genet, 2013 Aug;6:337-46). This amino acid position is poorly conserved in available vertebrate species. In addition, this alteration is predicted to be tolerated by in silico analysis. Since supporting evidence is limited at this time, the clinical significance of this alteration remains unclear.

GeneDx
Classification: Uncertain significance. Last evaluated: 2024-09-04. Review status: criteria provided, single submitter. Criteria: GeneDx Variant Classification Process June 2021. Collection method: clinical testing. Allele origin: germline. Affected: yes.
Comment: Reported in one individual from a cohort of individuals not selected for cardiomyopathy, arrhythmia, or family history of sudden cardiac death, who underwent exome sequencing (PMID: 23861362); In silico analysis supports that this missense variant has a deleterious effect on protein structure/function; This variant is associated with the following publications: (PMID: 23861362)

CeGaT Center for Human Genetics Tuebingen
Classification: Uncertain significance. Last evaluated: 2024-01-01. Review status: criteria provided, single submitter. Criteria: CeGaT Center For Human Genetics Tuebingen Variant Classification Criteria Version 2. Collection method: clinical testing. Allele origin: germline. Affected: yes. Observed: 1 variant allele.
Comment: MYPN: PM2, BP4

Labcorp Genetics (formerly Invitae), Labcorp
Classification: Uncertain significance for Dilated cardiomyopathy 1KK. Last evaluated: 2022-07-12. Review status: criteria provided, single submitter. Criteria: Invitae Variant Classification Sherloc (09022015). Collection method: clinical testing. Allele origin: germline.
Comment: This sequence change replaces isoleucine, which is neutral and non-polar, with asparagine, which is neutral and polar, at codon 1147 of the MYPN protein (p.Ile1147Asn). This variant is present in population databases (rs201600440, gnomAD 0.01%). This variant has not been reported in the literature in individuals affected with MYPN-related conditions. ClinVar contains an entry for this variant (Variation ID: 191758). Algorithms developed to predict the effect of missense changes on protein structure and function are either unavailable or do not agree on the potential impact of this missense change (SIFT: "Deleterious"; PolyPhen-2: "Possibly Damaging"; Align-GVGD: "Class C0"). In summary, the available evidence is currently insufficient to determine the role of this variant in disease. Therefore, it has been classified as a Variant of Uncertain Significance.

Mayo Clinic Laboratories, Mayo Clinic
Classification: Uncertain significance. Last evaluated: 2020-01-14. Review status: criteria provided, single submitter. Criteria: ACMG Guidelines, 2015. Collection method: clinical testing. Allele origin: germline. Observed: 1 variant allele.

Biesecker Lab/Clinical Genomics Section, National Institutes of Health
Classification: Uncertain significance. Last evaluated: 2013-06-24. Review status: criteria provided, single submitter. Criteria: Ng et al. (Circ Cardiovasc Genet. 2013). Collection method: research. Allele origin: unknown. Observed: 1 variant allele. Study: ClinSeq.
Comment: The study set was not selected for affection status in relation to any cancer. Pathogenicity categories were based on literature curation. See Pubmed ID:23861362 for details.

Medical sequencing

Literature cited by the submitters: PubMed 23861362 (cited by Ambry Genetics).